The following is an entry in ClinVar:

NM_012454.4(TIAM2):c.4314-8C>G

Genes: TFB1M (transcription factor B1, mitochondrial; minus strand), TIAM2 (TIAM Rac1 associated GEF 2; plus strand). Cytogenetic location: 6q25.3.
Variant type: single nucleotide variant.
Coding change: c.4314-8C>G on transcript NM_012454.4 (MANE Select); 8 bases into the intron before coding-DNA position 4314, C replaced by G.
Molecular consequence: intron variant.
Genome position (GRCh38, 1-based): chr6:155,254,411, C>G. VCF-style: chr6-155254411-C-G. GRCh37 (hg19) VCF-style: chr6-155575545-C-G.
Other names: NC_000006.11:g.155575545C>G; c.4314-8C>G (NM_001384546.1, NM_001384547.1); c.1089-8C>G (NM_001010927.3).
Identifiers: ClinVar variation 3025978 (VCV003025978.23), dbSNP rs148014772, ClinGen allele CA4065111.

ClinVar aggregate classification (germline): Likely benign (1 of 4 stars; one submission).

Allele frequency attached by ClinVar (database versions not stated): 1000 Genomes Project 0.00080; 1000 Genomes Project 30x 0.00078.
gnomAD v4.1: 363 of 1,610,296 alleles (0.023%); highest among the groups gnomAD compares: East Asian, 0.67%; no homozygotes.

Submissions (2):

CeGaT Center for Human Genetics Tuebingen
Classification: Likely benign. Last evaluated: 2024-02-01. Review status: criteria provided, single submitter. Criteria: CeGaT Center For Human Genetics Tuebingen Variant Classification Criteria Version 2. Collection method: clinical testing. Allele origin: germline. Affected: yes. Observed: 1 variant allele.
Comment: TIAM2: BP4

Dr. Peter K. Rogan Lab, Western University
No classification provided (evidence only). Condition: Thyroid cancer, nonmedullary, 1. Review status: no classification provided. Collection method: in vitro. Allele origin: not applicable. Functional consequence: retained intron. Not counted in ClinVar's aggregate classification.